The following is an entry in ClinVar:

NM_182641.4(BPTF):c.301_327del (p.Arg101_Gly109del)

Gene: BPTF (bromodomain PHD finger transcription factor; plus strand). Cytogenetic location: 17q24.2.
Variant type: Deletion.
Coding change: c.301_327del on transcript NM_182641.4 (MANE Select); coding-DNA positions 301 to 327, 27 bases deleted (AGGACGGGGGGCGGGGGCGGCGGCGGC).
Protein change: p.Arg101_Gly109del.
Molecular consequence: inframe deletion.
Genome position (GRCh38, 1-based): chr17:67,826,025-67,826,051, AGGACGGGGGGCGGGGGCGGCGGCGGC deleted; deleting any 27 consecutive bases within chr17:67,826,019-67,826,051 gives the same sequence; the c. name uses the placement nearest the transcript's 3' end. VCF-style (leftmost placement, unchanged base first): chr17-67826018-GGGCGGCAGGACGGGGGGCGGGGGCGGC-G. GRCh37 (hg19) VCF-style: chr17-65822134-GGGCGGCAGGACGGGGGGCGGGGGCGGC-G.
Other names: c.301_327del, p.Arg101_Gly109del (NM_004459.7).
Identifiers: ClinVar variation 1973381 (VCV001973381.26), dbSNP rs940404774, ClinGen allele CA293236580.

ClinVar aggregate classification (germline): Likely benign. Review status: criteria provided, multiple submitters, no conflicts (2 of 4 stars). 2 submissions from 2 submitters: Likely benign (2). Last evaluated 2026-09-01.

Submissions (2):

CeGaT Center for Human Genetics Tuebingen
Classification: Likely benign. Last evaluated: 2026-09-01. Review status: criteria provided, single submitter. Criteria: CeGaT Center For Human Genetics Tuebingen Variant Classification Criteria Version 2. Collection method: clinical testing. Allele origin: germline. Affected: yes. Observed: 2 variant alleles.
Comment: BPTF: BS1

Labcorp Genetics (formerly Invitae), Labcorp
Classification: Likely benign. Last evaluated: 2025-06-12. Review status: criteria provided, single submitter. Criteria: Invitae Variant Classification Sherloc (09022015). Collection method: clinical testing. Allele origin: germline.